The following is an entry in ClinVar:

NM_001042492.3(NF1):c.4052T>A (p.Ile1351Asn)

Gene: NF1 (neurofibromin 1; plus strand). Cytogenetic location: 17q11.2.
Variant type: single nucleotide variant.
Coding change: c.4052T>A on transcript NM_001042492.3 (MANE Select); coding-DNA position 4052, T replaced by A.
Protein change: p.Ile1351Asn; replaces isoleucine 1351 with asparagine.
Molecular consequence: missense variant.
Genome position (GRCh38, 1-based): chr17:31,249,061, T>A. VCF-style: chr17-31249061-T-A. GRCh37 (hg19) VCF-style: chr17-29576079-T-A.
Other names: c.4052T>A, p.Ile1351Asn (NM_000267.4); short protein forms I1351N.
Identifiers: ClinVar variation 2832276 (VCV002832276.3), dbSNP rs2151451488, ClinGen allele CA398994980.
Genomic context (GRCh38, chr17:31,249,061, plus strand): 5'-GCCTTGAGGAAAACCAGCGGAACCTCCTTCAGATGACTGAAAAGTTCTTCCATGCCATCA[T>A]CAGTTCCTCCTCAGAATTCCCCCCTCAACTTCGAAGTGTGTGCCACTGTTTATACCAGGT-3'
Protein context (NP_001035957.1, residues 1341-1361): QMTEKFFHAI[Ile1351Asn]SSSSEFPPQL

ClinVar aggregate classification (germline): Uncertain significance (1 of 4 stars; one submission).

Conditions:
Neurofibromatosis, type 1 (NF1). Also called: VON RECKLINGHAUSEN DISEASE; NEUROFIBROMATOSIS, TYPE I, SOMATIC; Neurofibromatosis, type I; Peripheral type neurofibromatosis. Identifiers: Orphanet 636, MedGen C0027831, MONDO:0018975, OMIM 162200. Disease mechanism: loss of function.

Submission:

Labcorp Genetics (formerly Invitae), Labcorp
Classification: Uncertain significance for Neurofibromatosis, type 1. Last evaluated: 2023-01-30. Review status: criteria provided, single submitter. Criteria: Invitae Variant Classification Sherloc (09022015). Collection method: clinical testing. Allele origin: germline.
Comment: This variant is not present in population databases (gnomAD no frequency). In summary, the available evidence is currently insufficient to determine the role of this variant in disease. Therefore, it has been classified as a Variant of Uncertain Significance. Advanced modeling of protein sequence and biophysical properties (such as structural, functional, and spatial information, amino acid conservation, physicochemical variation, residue mobility, and thermodynamic stability) performed at Invitae indicates that this missense variant is expected to disrupt NF1 protein function. This variant has not been reported in the literature in individuals affected with NF1-related conditions. This sequence change replaces isoleucine, which is neutral and non-polar, with asparagine, which is neutral and polar, at codon 1351 of the NF1 protein (p.Ile1351Asn).